The following is an entry in ClinVar:

NM_182915.3(STEAP3):c.351G>A (p.Ala117=)

Genes: STEAP3 (STEAP3 metalloreductase; plus strand), STEAP3-AS1 (STEAP3 antisense RNA 1; minus strand). Cytogenetic location: 2q14.2.
Variant type: single nucleotide variant.
Coding change: c.351G>A on transcript NM_182915.3 (MANE Select); coding-DNA position 351, G replaced by A.
Protein change: p.Ala117=; no amino-acid change (alanine 117 retained).
Molecular consequence: synonymous variant. On other transcripts: non-coding transcript variant (1).
Genome position (GRCh38, 1-based): chr2:119,245,817, G>A. VCF-style: chr2-119245817-G-A. GRCh37 (hg19) VCF-style: chr2-120003393-G-A.
Other names: c.321G>A, p.Ala107= (NM_001008410.2, NM_018234.3, NM_138637.3).
Identifiers: ClinVar variation 3051465 (VCV003051465.2), dbSNP rs374403064, ClinGen allele CA1846573.
Genomic context (GRCh38, chr2:119,245,817, plus strand): 5'-CTTTGTGGCTGTGTTCCGGGAGCACTACTCTTCACTGTGCAGTCTCAGTGACCAGCTGGC[G>A]GGCAAGATCCTGGTGGATGTGAGCAACCCTACAGAGCAAGAGCACCTTCAGCATCGTGAG-3'
Protein context (NP_878919.2, residues 107-127): SSLCSLSDQL[Ala117=]GKILVDVSNP

ClinVar aggregate classification (germline): Likely benign (0 of 4 stars; one submission).

Conditions:
STEAP3-related disorder. Also called: STEAP3-related condition.

Allele frequency attached by ClinVar (database versions not stated): ExAC 0.00013; ESP Exome Variant Server 0.00023.
gnomAD v4.1: 160 of 1,614,204 alleles (0.0099%); highest among the groups gnomAD compares: Middle Eastern, 0.13%; no homozygotes.

Submission:

PreventionGenetics, part of Exact Sciences
Classification: Likely benign for STEAP3-related condition. Last evaluated: 2020-01-13. Review status: no assertion criteria provided. Collection method: clinical testing. Allele origin: germline.
Comment: This variant is classified as likely benign based on ACMG/AMP sequence variant interpretation guidelines (Richards et al. 2015 PMID: 25741868, with internal and published modifications).